The following is an entry in ClinVar:

NM_001382548.1(TCERG1):c.96G>A (p.Pro32=)

Gene: TCERG1 (transcription elongation regulator 1; plus strand). Cytogenetic location: 5q32.
Variant type: single nucleotide variant.
Coding change: c.96G>A on transcript NM_001382548.1 (MANE Select); coding-DNA position 96, G replaced by A.
Protein change: p.Pro32=; no amino-acid change (proline 32 retained).
Molecular consequence: synonymous variant. On other transcripts: non-coding transcript variant (52).
Genome position (GRCh38, 1-based): chr5:146,455,092, G>A. VCF-style: chr5-146455092-G-A. GRCh37 (hg19) VCF-style: chr5-145834655-G-A.
Other names: c.96G>A, p.Pro32= (NM_001040006.2, NM_001400077.1, NM_001400083.1 and 10 more transcripts); c.39G>A, p.Pro13= (NM_001400082.1); c.36G>A, p.Pro12= (NM_001400092.1).
Identifiers: ClinVar variation 2655878 (VCV002655878.24), dbSNP rs373601191, ClinGen allele CA3491320.

ClinVar aggregate classification (germline): Likely benign (1 of 4 stars; one submission).

Allele frequency attached by ClinVar (database versions not stated): TOPMed 0.00002; gnomAD exomes 0.00003; ESP Exome Variant Server 0.00008.
gnomAD v4.1: 46 of 1,614,080 alleles (0.0028%); highest among the groups gnomAD compares: South Asian, 0.025%; no homozygotes.

Submission:

CeGaT Center for Human Genetics Tuebingen
Classification: Likely benign. Last evaluated: 2022-12-01. Review status: criteria provided, single submitter. Criteria: CeGaT Center For Human Genetics Tuebingen Variant Classification Criteria Version 2. Collection method: clinical testing. Allele origin: germline. Affected: yes. Observed: 1 variant allele.
Comment: TCERG1: BP4, BP7